The following is an entry in ClinVar:

NM_001199251.3(SGO1):c.1151C>T (p.Pro384Leu)

Genes: SGO1 (shugoshin 1; minus strand), SGO1-AS1 (SGO1 antisense RNA 1; plus strand). Cytogenetic location: 3p24.3.
Variant type: single nucleotide variant.
Coding change: c.1151C>T on transcript NM_001199251.3 (MANE Select); coding-DNA position 1151, C replaced by T.
Protein change: p.Pro384Leu; replaces proline 384 with leucine.
Molecular consequence: missense variant. On other transcripts: non-coding transcript variant (1), intron variant (9).
Genome position (GRCh38, 1-based): chr3:20,174,380, G>A on the plus strand (C>T on the coding strand, the complement: SGO1 is on the minus strand). VCF-style: chr3-20174380-G-A. GRCh37 (hg19) VCF-style: chr3-20215872-G-A.
Other names: c.1151C>T, p.Pro384Leu (NM_001012409.4, NM_001012410.5, NM_001199252.3); c.475+2221C>T (NM_138484.5, NM_001199256.3, NM_001012413.4 and 1 more transcripts); c.526+625C>T (NM_001012412.5, NM_001199257.3, NM_001199254.3 and 2 more transcripts); short protein forms P384L.
Identifiers: ClinVar variation 3038529 (VCV003038529.2), dbSNP rs534118740, ClinGen allele CA2285169.

ClinVar aggregate classification (germline): Likely benign (0 of 4 stars; one submission).

Conditions:
SGO1-related disorder. Also called: SGO1-related condition.

Allele frequency attached by ClinVar (database versions not stated): TOPMed 0.00003; gnomAD 0.00015; 1000 Genomes Project 30x 0.00047; 1000 Genomes Project 0.00060; ExAC 0.00069.
gnomAD v4.1: 488 of 1,614,072 alleles (0.03%); highest among the groups gnomAD compares: South Asian, 0.5%; 2 homozygotes.

Submission:

PreventionGenetics, part of Exact Sciences
Classification: Likely benign for SGO1-related condition. Last evaluated: 2022-03-21. Review status: no assertion criteria provided. Collection method: clinical testing. Allele origin: germline.
Comment: This variant is classified as likely benign based on ACMG/AMP sequence variant interpretation guidelines (Richards et al. 2015 PMID: 25741868, with internal and published modifications).